The following is an entry in ClinVar:

NM_018930.4(PCDHB10):c.1905A>G (p.Ala635=)

Genes: PCDHB10 (protocadherin beta 10; plus strand), PCDHB@ (protocadherin beta cluster; plus strand). Cytogenetic location: 5q31.3.
Variant type: single nucleotide variant.
Coding change: c.1905A>G on transcript NM_018930.4 (MANE Select); coding-DNA position 1905, A replaced by G.
Protein change: p.Ala635=; no amino-acid change (alanine 635 retained).
Molecular consequence: synonymous variant.
Genome position (GRCh38, 1-based): chr5:141,194,457, A>G. VCF-style: chr5-141194457-A-G. GRCh37 (hg19) VCF-style: chr5-140574030-A-G.
Identifiers: ClinVar variation 2655829 (VCV002655829.24), dbSNP rs577218144, ClinGen allele CA3461987.

ClinVar aggregate classification (germline): Likely benign (1 of 4 stars; one submission).

Allele frequency attached by ClinVar (database versions not stated): ExAC 0.00064; gnomAD exomes 0.00111; gnomAD 0.00224; 1000 Genomes Project 30x 0.00468.

Submission:

CeGaT Center for Human Genetics Tuebingen
Classification: Likely benign. Last evaluated: 2022-10-01. Review status: criteria provided, single submitter. Criteria: CeGaT Center For Human Genetics Tuebingen Variant Classification Criteria Version 2. Collection method: clinical testing. Allele origin: germline. Affected: yes. Observed: 2 variant alleles.
Comment: PCDHB10: BP4, BP7